The following is an entry in ClinVar:

ClinVar aggregate classification (germline): Likely benign (0 of 4 stars; one submission).

Conditions:
LAMA5-related disorder. Also called: LAMA5-Related Disorders; LAMA5-related condition.

Allele frequency attached by ClinVar (database versions not stated): gnomAD 0.00002; TOPMed 0.00002; ExAC 0.00004.
gnomAD v4.1: 41 of 1,612,694 alleles (0.0025%); highest among the groups gnomAD compares: South Asian, 0.0099%; no homozygotes.

Submission:

PreventionGenetics, part of Exact Sciences
Classification: Likely benign for LAMA5-related condition. Last evaluated: 2020-03-27. Review status: no assertion criteria provided. Collection method: clinical testing. Allele origin: germline.
Comment: This variant is classified as likely benign based on ACMG/AMP sequence variant interpretation guidelines (Richards et al. 2015 PMID: 25741868, with internal and published modifications).

NM_005560.6(LAMA5):c.1032G>A (p.Pro344=)

Gene: LAMA5 (laminin subunit alpha 5; minus strand). Cytogenetic location: 20q13.33.
Variant type: single nucleotide variant.
Coding change: c.1032G>A on transcript NM_005560.6 (MANE Select); coding-DNA position 1032, G replaced by A.
Protein change: p.Pro344=; no amino-acid change (proline 344 retained).
Molecular consequence: synonymous variant.
Genome position (GRCh38, 1-based): chr20:62,346,953, C>T on the plus strand (G>A on the coding strand, the complement: LAMA5 is on the minus strand). VCF-style: chr20-62346953-C-T. GRCh37 (hg19) VCF-style: chr20-60922009-C-T.
Identifiers: ClinVar variation 3054805 (VCV003054805.2), dbSNP rs766399151, ClinGen allele CA9944158.